The following is an entry in ClinVar:

NM_001105247.2(ARMC5):c.1864+198T>A

Gene: ARMC5 (armadillo repeat containing 5; plus strand). Cytogenetic location: 16p11.2.
Variant type: single nucleotide variant.
Coding change: c.1864+198T>A on transcript NM_001105247.2 (MANE Select); 198 bases into the intron after coding-DNA position 1864, T replaced by A.
Molecular consequence: intron variant. On other transcripts: missense variant (1).
Genome position (GRCh38, 1-based): chr16:31,465,085, T>A. VCF-style: chr16-31465085-T-A. GRCh37 (hg19) VCF-style: chr16-31476406-T-A.
Other names: c.2062T>A, p.Ser688Thr (NM_024742.2); c.2149+198T>A (NM_001288767.2); c.1960+198T>A (NM_001301820.1); short protein forms S688T.
Identifiers: ClinVar variation 1032625 (VCV001032625.3), dbSNP rs150981686, ClinGen allele CA8029850.

ClinVar aggregate classification (germline): Uncertain significance. Review status: criteria provided, single submitter (1 of 4 stars). 2 submissions from 2 submitters: Uncertain significance (1). 1 of the submissions does not count toward it. Last evaluated 2018-05-25.

Conditions:
ARMC5-related disorder. Also called: ARMC5-related condition.
ACTH-independent macronodular adrenal hyperplasia 2. Also called: PRIMARY MACRONODULAR ADRENAL HYPERPLASIA. Identifiers: Orphanet 189427, MedGen C4014803, MONDO:0014416, OMIM 615954.

Allele frequency attached by ClinVar (database versions not stated): gnomAD exomes 0.00009 and 0.00024; ExAC 0.00027; TOPMed 0.00115; gnomAD 0.00120 and 0.00129; ESP Exome Variant Server 0.00138; 1000 Genomes Project 30x 0.00172; 1000 Genomes Project 0.00200.

Submissions (2):

Baylor Genetics
Classification: Uncertain significance for ACTH-independent macronodular adrenal hyperplasia 2. Last evaluated: 2018-05-25. Review status: criteria provided, single submitter. Criteria: ACMG Guidelines, 2015. Collection method: clinical testing. Allele origin: unknown. Affected: yes.
Comment: This variant was determined to be of uncertain significance according to ACMG Guidelines, 2015 [PMID:25741868].

PreventionGenetics, part of Exact Sciences
Classification: Likely benign for ARMC5-related condition. Last evaluated: 2019-05-01. Review status: no assertion criteria provided. Collection method: clinical testing. Allele origin: germline. Not counted in ClinVar's aggregate classification.
Comment: This variant is classified as likely benign based on ACMG/AMP sequence variant interpretation guidelines (Richards et al. 2015 PMID: 25741868, with internal and published modifications).